The following is an entry in ClinVar:

NM_001267550.2(TTN):c.95726C>A (p.Thr31909Asn)

Genes: TTN (titin; minus strand), TTN-AS1 (TTN antisense RNA 1; plus strand). Cytogenetic location: 2q31.2.
Variant type: single nucleotide variant.
Coding change: c.95726C>A on transcript NM_001267550.2 (MANE Select); coding-DNA position 95726, C replaced by A.
Protein change: p.Thr31909Asn; replaces threonine 31909 with asparagine.
Molecular consequence: missense variant.
Genome position (GRCh38, 1-based): chr2:178,544,503, G>T on the plus strand (C>A on the coding strand, the complement: TTN is on the minus strand). VCF-style: chr2-178544503-G-T. GRCh37 (hg19) VCF-style: chr2-179409230-G-T.
Other names: c.90803C>A, p.Thr30268Asn (NM_001256850.1); c.68531C>A, p.Thr22844Asn (NM_003319.4); c.88022C>A, p.Thr29341Asn (NM_133378.4); c.68906C>A, p.Thr22969Asn (NM_133432.3); c.69107C>A, p.Thr23036Asn (NM_133437.4); short protein forms T22844N, T22969N, T23036N, T29341N, T30268N, T31909N.
Identifiers: ClinVar variation 3900337 (VCV003900337.1).

ClinVar aggregate classification (germline): Uncertain significance (1 of 4 stars; one submission).

gnomAD v4.1: 2 of 1,587,830 alleles (0.00013%); highest among the groups gnomAD compares: Non-Finnish European, 0.00017%; no homozygotes.

Submission:

GeneDx
Classification: Uncertain significance. Last evaluated: 2024-11-26. Review status: criteria provided, single submitter. Criteria: GeneDx Variant Classification Process June 2021. Collection method: clinical testing. Allele origin: germline. Affected: yes.
Comment: Not observed at significant frequency in large population cohorts (gnomAD); Missense variant in a gene in which most reported pathogenic variants are truncating/loss of function; Has not been previously published as pathogenic or benign to our knowledge